The following is an entry in ClinVar:

NM_001868.4(CPA1):c.1145G>A (p.Arg382Gln)

Gene: CPA1 (carboxypeptidase A1; plus strand). Cytogenetic location: 7q32.2.
Variant type: single nucleotide variant.
Coding change: c.1145G>A on transcript NM_001868.4 (MANE Select); coding-DNA position 1145, G replaced by A.
Protein change: p.Arg382Gln; replaces arginine 382 with glutamine.
Molecular consequence: missense variant.
Genome position (GRCh38, 1-based): chr7:130,387,896, G>A. VCF-style: chr7-130387896-G-A. GRCh37 (hg19) VCF-style: chr7-130027737-G-A.
Other names: short protein forms R382Q.
Identifiers: ClinVar variation 1018192 (VCV001018192.13), dbSNP rs782284762, ClinGen allele CA4485070.

ClinVar aggregate classification (germline): Uncertain significance. Review status: criteria provided, multiple submitters, no conflicts (2 of 4 stars). 3 submissions from 3 submitters: Uncertain significance (3). Last evaluated 2025-02-12.

Conditions:
Hereditary pancreatitis (PCTT). Also called: PRSS1-Related Hereditary Pancreatitis; Hereditary chronic pancreatitis. Identifiers: Orphanet 676, MedGen C0238339, MONDO:0008185, OMIM 167800.

Allele frequency attached by ClinVar (database versions not stated): ExAC 0.00002; gnomAD exomes 0.00003; gnomAD 0.00007 and 0.00008; TOPMed 0.00009.
gnomAD v4.1: 37 of 1,613,964 alleles (0.0023%); highest among the groups gnomAD compares: African/African-American, 0.039%; no homozygotes.

Submissions (3):

Ambry Genetics
Classification: Uncertain significance for Hereditary pancreatitis. Last evaluated: 2025-02-12. Review status: criteria provided, single submitter. Criteria: Ambry Variant Classification Scheme 2023. Collection method: clinical testing. Allele origin: germline.
Comment: The p.R382Q variant (also known as c.1145G>A), located in coding exon 10 of the CPA1 gene, results from a G to A substitution at nucleotide position 1145. The arginine at codon 382 is replaced by glutamine, an amino acid with highly similar properties. This amino acid position is highly conserved in available vertebrate species. In addition, this alteration is predicted to be deleterious by in silico analysis. Since supporting evidence is limited at this time, the clinical significance of this alteration remains unclear.

Labcorp Genetics (formerly Invitae), Labcorp
Classification: Uncertain significance. Last evaluated: 2024-10-04. Review status: criteria provided, single submitter. Criteria: Invitae Variant Classification Sherloc (09022015). Collection method: clinical testing. Allele origin: germline.
Comment: This sequence change replaces arginine, which is basic and polar, with glutamine, which is neutral and polar, at codon 382 of the CPA1 protein (p.Arg382Gln). This variant is present in population databases (rs782284762, gnomAD 0.04%). This variant has not been reported in the literature in individuals affected with CPA1-related conditions. ClinVar contains an entry for this variant (Variation ID: 1018192). Invitae Evidence Modeling of protein sequence and biophysical properties (such as structural, functional, and spatial information, amino acid conservation, physicochemical variation, residue mobility, and thermodynamic stability) has been performed for this missense variant. However, the output from this modeling did not meet the statistical confidence thresholds required to predict the impact of this variant on CPA1 protein function. In summary, the available evidence is currently insufficient to determine the role of this variant in disease. Therefore, it has been classified as a Variant of Uncertain Significance.

Blueprint Genetics
Classification: Uncertain significance. Last evaluated: 2024-05-20. Review status: criteria provided, single submitter. Criteria: ACMG Guidelines, 2015. Collection method: clinical testing. Allele origin: germline.